The following is an entry in ClinVar:

ClinVar aggregate classification (germline): Uncertain significance. Review status: criteria provided, multiple submitters, no conflicts (2 of 4 stars). 2 submissions from 2 submitters: Uncertain significance (2). Last evaluated 2026-02-18.

Conditions:
Shprintzen-Goldberg syndrome (SGS). Also called: Marfanoid disorder with craniosynostosis type 1; Marfanoid craniosynostosis syndrome; Shprintzen-Goldberg marfanoid syndrome; SHPRINTZEN-GOLDBERG CRANIOSYNOSTOSIS SYNDROME; CRANIOSYNOSTOSIS WITH ARACHNODACTYLY AND ABDOMINAL HERNIAS. Identifiers: Orphanet 2462, MedGen C1321551, MONDO:0008426, OMIM 182212.

Submissions (2):

GeneDx
Classification: Uncertain significance. Last evaluated: 2026-02-18. Review status: criteria provided, single submitter. Criteria: GeneDx Variant Classification Process June 2021. Collection method: clinical testing. Allele origin: germline.
Comment: Not observed at significant frequency in large population cohorts (gnomAD); In silico analysis supports a deleterious effect on splicing; Has not been previously published as pathogenic or benign to our knowledge

Labcorp Genetics (formerly Invitae), Labcorp
Classification: Uncertain significance for Shprintzen-Goldberg syndrome. Last evaluated: 2024-10-15. Review status: criteria provided, single submitter. Criteria: Invitae Variant Classification Sherloc (09022015). Collection method: clinical testing. Allele origin: germline.
Comment: This sequence change affects codon 498 of the SKI mRNA. It is a 'silent' change, meaning that it does not change the encoded amino acid sequence of the SKI protein. This variant is not present in population databases (gnomAD no frequency). This variant has not been reported in the literature in individuals affected with SKI-related conditions. Algorithms developed to predict the effect of sequence changes on RNA splicing suggest that this variant may disrupt the consensus splice site. In summary, the available evidence is currently insufficient to determine the role of this variant in disease. Therefore, it has been classified as a Variant of Uncertain Significance.

NM_003036.4(SKI):c.1494G>A (p.Ser498=)

Gene: SKI (SKI proto-oncogene; plus strand). Cytogenetic location: 1p36.32.
Variant type: single nucleotide variant.
Coding change: c.1494G>A on transcript NM_003036.4 (MANE Select); coding-DNA position 1494, G replaced by A.
Protein change: p.Ser498=; no amino-acid change (serine 498 retained).
Molecular consequence: synonymous variant.
Genome position (GRCh38, 1-based): chr1:2,304,312, G>A. VCF-style: chr1-2304312-G-A. GRCh37 (hg19) VCF-style: chr1-2235751-G-A.
Other names: c.1494G>A (NM_003036.3).
Identifiers: ClinVar variation 3693875 (VCV003693875.3).